The following is an entry in ClinVar:

ClinVar aggregate classification (germline): Pathogenic (1 of 4 stars; one submission).

Submission:

Labcorp Genetics (formerly Invitae), Labcorp
Classification: Pathogenic. Last evaluated: 2025-08-03. Review status: criteria provided, single submitter. Criteria: Invitae Variant Classification Sherloc (09022015). Collection method: clinical testing. Allele origin: germline.
Comment: This sequence change creates a premature translational stop signal (p.Trp98*) in the GTPBP3 gene. It is expected to result in an absent or disrupted protein product. Loss-of-function variants in GTPBP3 are known to be pathogenic (PMID: 25434004). This variant is not present in population databases (gnomAD no frequency). This variant has not been reported in the literature in individuals affected with GTPBP3-related conditions. For these reasons, this variant has been classified as Pathogenic.

Literature cited by the submitters: PubMed 25434004.

NM_032620.4(GTPBP3):c.293G>A (p.Trp98Ter)

Gene: GTPBP3 (GTP binding protein 3, mitochondrial; plus strand). Cytogenetic location: 19p13.11.
Variant type: single nucleotide variant.
Coding change: c.293G>A on transcript NM_032620.4 (MANE Select); coding-DNA position 293, G replaced by A.
Protein change: p.Trp98Ter; replaces tryptophan 98 with a stop codon.
Molecular consequence: nonsense.
Genome position (GRCh38, 1-based): chr19:17,338,247, G>A. VCF-style: chr19-17338247-G-A. GRCh37 (hg19) VCF-style: chr19-17449056-G-A.
Other names: c.293G>A, p.Trp98Ter (NM_001128855.3, NM_133644.4); c.359G>A, p.Trp120Ter (NM_001195422.1); short protein forms W98*, W120*.
Identifiers: ClinVar variation 4724682 (VCV004724682.1).
Genomic context (GRCh38, chr19:17,338,247, plus strand): 5'-GCCTGCGCCTGCTCAGCGATCCCCGCTCCGGGGAGCCTCTGGACCGCGCACTGGTGCTCT[G>A]GTTCCCAGGTGAGGGTCCCCAGGTTCCGAGCCTCCTGTAGGTCCCATGACTCAGTTTCCC-3'